The following is an entry in ClinVar:

NM_022047.4(DEF6):c.845G>A (p.Cys282Tyr)

Gene: DEF6 (DEF6 guanine nucleotide exchange factor; plus strand). Cytogenetic location: 6p21.31.
Variant type: single nucleotide variant.
Coding change: c.845G>A on transcript NM_022047.4 (MANE Select); coding-DNA position 845, G replaced by A.
Protein change: p.Cys282Tyr; replaces cysteine 282 with tyrosine.
Molecular consequence: missense variant.
Genome position (GRCh38, 1-based): chr6:35,317,928, G>A. VCF-style: chr6-35317928-G-A. GRCh37 (hg19) VCF-style: chr6-35285705-G-A.
Other names: short protein forms C282Y.
Identifiers: ClinVar variation 1374767 (VCV001374767.3), dbSNP rs777826433, ClinGen allele CA3770830.

ClinVar aggregate classification (germline): Uncertain significance (1 of 4 stars; one submission).

Allele frequency attached by ClinVar (database versions not stated): gnomAD 0.00001; TOPMed 0.00002; gnomAD exomes 0.00004 and 0.00008; ExAC 0.00005.
gnomAD v4.1: 22 of 1,613,900 alleles (0.0014%); highest among the groups gnomAD compares: Admixed American, 0.035%; 1 homozygote.

Submission:

Labcorp Genetics (formerly Invitae), Labcorp
Classification: Uncertain significance. Last evaluated: 2022-04-20. Review status: criteria provided, single submitter. Criteria: Invitae Variant Classification Sherloc (09022015). Collection method: clinical testing. Allele origin: germline.
Comment: This sequence change replaces cysteine, which is neutral and slightly polar, with tyrosine, which is neutral and polar, at codon 282 of the DEF6 protein (p.Cys282Tyr). This variant is present in population databases (rs777826433, gnomAD 0.06%). This variant has not been reported in the literature in individuals affected with DEF6-related conditions. Algorithms developed to predict the effect of missense changes on protein structure and function are either unavailable or do not agree on the potential impact of this missense change (SIFT: "Deleterious"; PolyPhen-2: "Probably Damaging"; Align-GVGD: "Class C0"). In summary, the available evidence is currently insufficient to determine the role of this variant in disease. Therefore, it has been classified as a Variant of Uncertain Significance.